The following is an entry in ClinVar:

ClinVar aggregate classification (germline): Uncertain significance. Review status: criteria provided, multiple submitters, no conflicts (2 of 4 stars). 2 submissions from 2 submitters: Uncertain significance (2). Last evaluated 2024-02-03.

Conditions:
Hereditary cancer-predisposing syndrome. Also called: Tumor predisposition; Hereditary neoplastic syndrome; Hereditary Cancer Syndrome; Neoplastic Syndromes, Hereditary. Identifiers: Orphanet 140162, MedGen C0027672, MeSH D009386, MONDO:0015356.

Submissions (2):

Ambry Genetics
Classification: Uncertain significance for Hereditary cancer-predisposing syndrome. Last evaluated: 2024-02-03. Review status: criteria provided, single submitter. Criteria: Ambry Variant Classification Scheme 2023. Collection method: clinical testing. Allele origin: germline.
Comment: The p.D1009V variant (also known as c.3026A>T), located in coding exon 19 of the RAD50 gene, results from an A to T substitution at nucleotide position 3026. The aspartic acid at codon 1009 is replaced by valine, an amino acid with highly dissimilar properties. This amino acid position is conserved. In addition, this alteration is predicted to be deleterious by in silico analysis. Based on the available evidence, the clinical significance of this alteration remains unclear.

Labcorp Genetics (formerly Invitae), Labcorp
Classification: Uncertain significance for Hereditary cancer-predisposing syndrome. Last evaluated: 2023-10-23. Review status: criteria provided, single submitter. Criteria: Invitae Variant Classification Sherloc (09022015). Collection method: clinical testing. Allele origin: germline.
Comment: This sequence change replaces aspartic acid, which is acidic and polar, with valine, which is neutral and non-polar, at codon 1009 of the RAD50 protein (p.Asp1009Val). This variant is not present in population databases (gnomAD no frequency). This variant has not been reported in the literature in individuals affected with RAD50-related conditions. ClinVar contains an entry for this variant (Variation ID: 961234). Advanced modeling of protein sequence and biophysical properties (such as structural, functional, and spatial information, amino acid conservation, physicochemical variation, residue mobility, and thermodynamic stability) has been performed at Invitae for this missense variant, however the output from this modeling did not meet the statistical confidence thresholds required to predict the impact of this variant on RAD50 protein function. In summary, the available evidence is currently insufficient to determine the role of this variant in disease. Therefore, it has been classified as a Variant of Uncertain Significance.

NM_005732.4(RAD50):c.3026A>T (p.Asp1009Val)

Gene: RAD50 (RAD50 double strand break repair protein; plus strand). Cytogenetic location: 5q31.1.
Variant type: single nucleotide variant.
Coding change: c.3026A>T on transcript NM_005732.4 (MANE Select); coding-DNA position 3026, A replaced by T.
Protein change: p.Asp1009Val; replaces aspartic acid 1009 with valine.
Molecular consequence: missense variant.
Genome position (GRCh38, 1-based): chr5:132,609,386, A>T. VCF-style: chr5-132609386-A-T. GRCh37 (hg19) VCF-style: chr5-131945078-A-T.
Other names: short protein forms D1009V.
Identifiers: ClinVar variation 961234 (VCV000961234.11), dbSNP rs1751045603, ClinGen allele CA360961074.